The following is an entry in ClinVar:

NM_000077.5(CDKN2A):c.102G>T (p.Ala34=)

Gene: CDKN2A (cyclin dependent kinase inhibitor 2A; minus strand). Cytogenetic location: 9p21.3.
Variant type: single nucleotide variant.
Coding change: c.102G>T on transcript NM_000077.5; coding-DNA position 102, G replaced by T.
Protein change: p.Ala34=; no amino-acid change (alanine 34 retained).
Molecular consequence: synonymous variant (on NM_000077.6). On other transcripts: intron variant (2).
Genome position (GRCh38, 1-based): chr9:21,974,726, C>A on the plus strand (G>T on the coding strand, the complement: CDKN2A is on the minus strand). VCF-style: chr9-21974726-C-A. GRCh37 (hg19) VCF-style: chr9-21974725-C-A.
Other names: c.102G>T, p.Ala34= (NM_000077.6, NM_001195132.2, NM_058197.5); c.-3-3518G>T (NM_001363763.2); c.194-3518G>T (NM_058195.4).
Identifiers: ClinVar variation 4294150 (VCV004294150.1).
Genomic context (GRCh38, chr9:21,974,726, plus strand): 5'-CCCTCTACCCACCTGGATCGGCCTCCGACCGTAACTATTCGGTGCGTTGGGCAGCGCCCC[C>A]GCCTCCAGCAGCGCCCGCACCTCCTCTACCCGACCCCGGGCCGCGGCCGTGGCCAGCCAG-3'
Protein context (NP_000068.1, residues 24-44): RVEEVRALLE[Ala34=]GALPNAPNSY

ClinVar aggregate classification (germline): Benign (1 of 4 stars; one submission).

Conditions:
Melanoma-pancreatic cancer syndrome. Identifiers: Orphanet 404560, MedGen C1838547, MONDO:0011713, OMIM 606719. Disease mechanism: loss of function.

Submission:

Myriad Genetics, Inc.
Classification: Benign for Melanoma-pancreatic cancer syndrome. Last evaluated: 2025-08-13. Review status: criteria provided, single submitter. Criteria: Myriad Autosomal Dominant, Autosomal Recessive and X-Linked Classification Criteria (2023). Collection method: clinical testing. Allele origin: unknown.
Comment: This variant is considered benign. This variant is a silent/synonymous amino acid change and it is not expected to impact splicing.